The following is an entry in ClinVar:

ClinVar aggregate classification (germline): Pathogenic/Likely pathogenic. Review status: criteria provided, multiple submitters, no conflicts (2 of 4 stars). 2 submissions from 2 submitters: Pathogenic (1); Likely pathogenic (1). Last evaluated 2024-02-05.

Conditions:
Trichohepatoenteric syndrome 2 (THES2). Identifiers: Orphanet 84064, MedGen C3281289, MONDO:0013818, OMIM 614602.

gnomAD v4.1: 3 of 1,606,756 alleles (0.00019%); highest among the groups gnomAD compares: Non-Finnish European, 0.00017%; no homozygotes.

Submissions (2):

Molecular Genetics, Royal Melbourne Hospital
Classification: Likely pathogenic for Trichohepatoenteric syndrome 2. Last evaluated: 2024-02-05. Review status: criteria provided, single submitter. Criteria: ACMG Guidelines, 2015. Collection method: clinical testing. Allele origin: germline. Inheritance: Autosomal recessive inheritance. Affected: no.
Comment: This sequence change in SKIC2 is a nonsense variant predicted to cause a premature stop codon, p.(Gln233*), in biologically relevant exon 8/28 leading to nonsense-mediated decay in a gene in which loss-of-function is an established disease mechanism (PMID: 22444670, 29527791, 30397475). The highest population minor allele frequency in the population database gnomAD v4.0 is 0.0002% (2/1,109,988 alleles) in the European (non-Finnish) population, which is consistent with recessive disease. To our knowledge, this variant has not been previously reported in the relevant scientific literature or databases. Based on the classification scheme RMH Modified ACMG/AMP Guidelines v1.6.1, this variant is classified as LIKELY PATHOGENIC. Following criteria are met: PVS1, PM2_Supporting.

Labcorp Genetics (formerly Invitae), Labcorp
Classification: Pathogenic. Last evaluated: 2023-02-14. Review status: criteria provided, single submitter. Criteria: Invitae Variant Classification Sherloc (09022015). Collection method: clinical testing. Allele origin: germline.
Comment: For these reasons, this variant has been classified as Pathogenic. This variant has not been reported in the literature in individuals affected with SKIV2L-related conditions. This variant is not present in population databases (gnomAD no frequency). This sequence change creates a premature translational stop signal (p.Gln233*) in the SKIV2L gene. It is expected to result in an absent or disrupted protein product. Loss-of-function variants in SKIV2L are known to be pathogenic (PMID: 22444670).

Literature cited by the submitters: PubMed 22444670 (cited by Molecular Genetics, Royal Melbourne Hospital and Labcorp Genetics (formerly Invitae), Labcorp); PubMed 29527791 (cited by Molecular Genetics, Royal Melbourne Hospital); PubMed 30397475 (cited by Molecular Genetics, Royal Melbourne Hospital).

NM_006929.5(SKIC2):c.697C>T (p.Gln233Ter)

Gene: SKIC2 (SKI2 subunit of superkiller complex; plus strand). Cytogenetic location: 6p21.33.
Variant type: single nucleotide variant.
Coding change: c.697C>T on transcript NM_006929.5 (MANE Select); coding-DNA position 697, C replaced by T.
Protein change: p.Gln233Ter; replaces glutamine 233 with a stop codon.
Molecular consequence: nonsense.
Genome position (GRCh38, 1-based): chr6:31,961,294, C>T. VCF-style: chr6-31961294-C-T. GRCh37 (hg19) VCF-style: chr6-31929071-C-T.
Other names: short protein forms Q233*.
Identifiers: ClinVar variation 2802208 (VCV002802208.4), dbSNP rs969421193, ClinGen allele CA363444025.